The following is an entry in ClinVar:

ClinVar aggregate classification (germline): Uncertain significance (1 of 4 stars; one submission).

Conditions:
Oligodontia-cancer predisposition syndrome. Also called: TOOTH AGENESIS-COLORECTAL CANCER SYNDROME. Identifiers: Orphanet 300576, MedGen C1837750, MONDO:0012075, OMIM 608615. Disease mechanism: loss of function.

Allele frequency attached by ClinVar (database versions not stated): gnomAD exomes below 0.00001.
gnomAD v4.1: 1 of 1,613,764 alleles (0.000062%); highest among the groups gnomAD compares: Admixed American, 0.0017%; no homozygotes.

Submission:

Labcorp Genetics (formerly Invitae), Labcorp
Classification: Uncertain significance for Oligodontia-cancer predisposition syndrome. Last evaluated: 2019-08-31. Review status: criteria provided, single submitter. Criteria: Invitae Variant Classification Sherloc (09022015). Collection method: clinical testing. Allele origin: germline.
Comment: In summary, the available evidence is currently insufficient to determine the role of this variant in disease. Therefore, it has been classified as a Variant of Uncertain Significance. Algorithms developed to predict the effect of missense changes on protein structure and function (SIFT, PolyPhen-2, Align-GVGD) all suggest that this variant is likely to be disruptive, but these predictions have not been confirmed by published functional studies and their clinical significance is uncertain. This variant has not been reported in the literature in individuals with AXIN2-related disease. This variant is not present in population databases (ExAC no frequency). This sequence change replaces histidine with proline at codon 516 of the AXIN2 protein (p.His516Pro). The histidine residue is highly conserved and there is a moderate physicochemical difference between histidine and proline.

NM_004655.4(AXIN2):c.1547A>C (p.His516Pro)

Gene: AXIN2 (axin 2; minus strand). Cytogenetic location: 17q24.1.
Variant type: single nucleotide variant.
Coding change: c.1547A>C on transcript NM_004655.4 (MANE Select); coding-DNA position 1547, A replaced by C.
Protein change: p.His516Pro; replaces histidine 516 with proline.
Molecular consequence: missense variant.
Genome position (GRCh38, 1-based): chr17:65,537,489, T>G on the plus strand (A>C on the coding strand, the complement: AXIN2 is on the minus strand). VCF-style: chr17-65537489-T-G. GRCh37 (hg19) VCF-style: chr17-63533607-T-G.
Other names: c.1547A>C (LRG_296t1); c.1547A>C, p.His516Pro (NM_001363813.1); short protein forms H516P.
Identifiers: ClinVar variation 664932 (VCV000664932.10), dbSNP rs864622657, ClinGen allele CA400677289.
Genomic context (GRCh38, chr17:65,537,489, plus strand): 5'-GTGGCCTCCGCCTCGATCTCCTCCTTGGTCTTGGGGACGGCATGGTGGTGGATGTAGTGG[T>G]GGTGGACATGCTTCGTCGTCTGCTTGGTCACAAAGCCTTTGCCCCCGAGGAGGGGGCAGG-3'
Protein context (NP_004646.3, residues 506-526): VTKQTTKHVH[His516Pro]HYIHHHAVPK